The following is an entry in ClinVar:

ClinVar aggregate classification (germline): Uncertain significance. Review status: criteria provided, multiple submitters, no conflicts (2 of 4 stars). 2 submissions from 2 submitters: Uncertain significance (2). Last evaluated 2025-04-04.

Allele frequency attached by ClinVar (database versions not stated): ExAC 0.00002; gnomAD exomes 0.00002; ESP Exome Variant Server 0.00008; gnomAD 0.00008; TOPMed 0.00008.
gnomAD v4.1: 37 of 1,614,090 alleles (0.0023%); highest among the groups gnomAD compares: Admixed American, 0.03%; no homozygotes.

Submissions (2):

Labcorp Genetics (formerly Invitae), Labcorp
Classification: Uncertain significance. Last evaluated: 2025-04-04. Review status: criteria provided, single submitter. Criteria: Invitae Variant Classification Sherloc (09022015). Collection method: clinical testing. Allele origin: germline.
Comment: This sequence change replaces isoleucine, which is neutral and non-polar, with threonine, which is neutral and polar, at codon 802 of the ROR1 protein (p.Ile802Thr). This variant is present in population databases (rs370118295, gnomAD 0.004%). This variant has not been reported in the literature in individuals affected with ROR1-related conditions. ClinVar contains an entry for this variant (Variation ID: 2190671). Invitae Evidence Modeling of protein sequence and biophysical properties (such as structural, functional, and spatial information, amino acid conservation, physicochemical variation, residue mobility, and thermodynamic stability) indicates that this missense variant is not expected to disrupt ROR1 protein function with a negative predictive value of 80%. In summary, the available evidence is currently insufficient to determine the role of this variant in disease. Therefore, it has been classified as a Variant of Uncertain Significance.

Ambry Genetics
Classification: Uncertain significance. Last evaluated: 2023-12-08. Review status: criteria provided, single submitter. Criteria: Ambry Variant Classification Scheme 2023. Collection method: clinical testing. Allele origin: germline.

NM_005012.4(ROR1):c.2405T>C (p.Ile802Thr)

Gene: ROR1 (receptor tyrosine kinase like orphan receptor 1; plus strand). Cytogenetic location: 1p31.3.
Variant type: single nucleotide variant.
Coding change: c.2405T>C on transcript NM_005012.4 (MANE Select); coding-DNA position 2405, T replaced by C.
Protein change: p.Ile802Thr; replaces isoleucine 802 with threonine.
Molecular consequence: missense variant.
Genome position (GRCh38, 1-based): chr1:64,178,446, T>C. VCF-style: chr1-64178446-T-C. GRCh37 (hg19) VCF-style: chr1-64644129-T-C.
Other names: c.2405T>C (NM_005012.2); short protein forms I802T.
Identifiers: ClinVar variation 2190671 (VCV002190671.5), dbSNP rs370118295, ClinGen allele CA890416.